The following is an entry in ClinVar:

ClinVar aggregate classification (germline): Conflicting classifications of pathogenicity. Review status: criteria provided, conflicting classifications (1 of 4 stars). 4 submissions from 4 submitters: Uncertain significance (2); Likely benign (1). 1 of the submissions does not count toward it. Last evaluated 2026-01-19.

Conditions:
Bloom syndrome (BLM). Also called: Bloom-Torre-Machacek syndrome. Identifiers: Orphanet 125, MedGen C0005859, MONDO:0008876, OMIM 210900.
Hereditary cancer-predisposing syndrome. Also called: Hereditary Cancer Syndrome; Tumor predisposition; Hereditary neoplastic syndrome; Neoplastic Syndromes, Hereditary. Identifiers: Orphanet 140162, MedGen C0027672, MeSH D009386, MONDO:0015356.

Allele frequency attached by ClinVar (database versions not stated): gnomAD 0.00001; gnomAD exomes 0.00002 and 0.00006; TOPMed 0.00002; ExAC 0.00008.
gnomAD v4.1: 29 of 1,613,960 alleles (0.0018%); highest among the groups gnomAD compares: East Asian, 0.022%; no homozygotes.

Submissions (4):

Labcorp Genetics (formerly Invitae), Labcorp
Classification: Uncertain significance for Bloom syndrome. Last evaluated: 2026-01-19. Review status: criteria provided, single submitter. Criteria: Invitae Variant Classification Sherloc (09022015). Collection method: clinical testing. Allele origin: germline.
Comment: This sequence change replaces arginine, which is basic and polar, with tryptophan, which is neutral and slightly polar, at codon 132 of the BLM protein (p.Arg132Trp). This variant is present in population databases (rs765089689, gnomAD 0.06%). This variant has not been reported in the literature in individuals affected with BLM-related conditions. ClinVar contains an entry for this variant (Variation ID: 646316). An algorithm developed to predict the effect of missense changes on protein structure and function (PolyPhen-2) suggests that this variant is likely to be tolerated. In summary, the available evidence is currently insufficient to determine the role of this variant in disease. Therefore, it has been classified as a Variant of Uncertain Significance.

Ambry Genetics
Classification: Likely benign for Hereditary cancer-predisposing syndrome. Last evaluated: 2023-12-11. Review status: criteria provided, single submitter. Criteria: Ambry Variant Classification Scheme 2023. Collection method: clinical testing. Allele origin: germline.

Quest Diagnostics Nichols Institute San Juan Capistrano
Classification: Uncertain significance. Last evaluated: 2023-06-22. Review status: criteria provided, single submitter. Criteria: Quest Diagnostics criteria. Collection method: clinical testing. Allele origin: unknown.
Comment: To the best of our knowledge, the variant has not been reported in the published literature. The frequency of this variant in the general population, 0.00065 (13/19944 chromosomes in East Asian subpopulation), is higher than would generally be expected for pathogenic variants in this gene. Analysis of this variant using bioinformatics tools for the prediction of the effect of amino acid changes on protein structure and function yielded predictions that this variant is benign. Based on the available information, we are unable to determine the clinical significance of this variant.

Natera, Inc.
Classification: Uncertain significance for Bloom syndrome. Last evaluated: 2018-12-07. Review status: no assertion criteria provided. Collection method: clinical testing. Allele origin: germline. Not counted in ClinVar's aggregate classification.

NM_000057.4(BLM):c.394C>T (p.Arg132Trp)

Gene: BLM (BLM RecQ like helicase; plus strand). Cytogenetic location: 15q26.1.
Variant type: single nucleotide variant.
Coding change: c.394C>T on transcript NM_000057.4 (MANE Select); coding-DNA position 394, C replaced by T.
Protein change: p.Arg132Trp; replaces arginine 132 with tryptophan.
Molecular consequence: missense variant. On other transcripts: 5 prime UTR variant (1).
Genome position (GRCh38, 1-based): chr15:90,749,662, C>T. VCF-style: chr15-90749662-C-T. GRCh37 (hg19) VCF-style: chr15-91292892-C-T.
Other names: c.394C>T, p.Arg132Trp (NM_001287246.2, NM_001287247.2); c.-898C>T (NM_001287248.2); short protein forms R132W.
Identifiers: ClinVar variation 646316 (VCV000646316.15), dbSNP rs765089689, ClinGen allele CA7738287.